The following is an entry in ClinVar:

NM_001379500.1(COL18A1):c.107-12249G>T

Gene: COL18A1 (collagen type XVIII alpha 1 chain; plus strand). Cytogenetic location: 21q22.3.
Variant type: single nucleotide variant.
Coding change: c.107-12249G>T on transcript NM_001379500.1 (MANE Select); 12249 bases into the intron before coding-DNA position 107, G replaced by T.
Molecular consequence: intron variant. On other transcripts: missense variant (2).
Genome position (GRCh38, 1-based): chr21:45,455,993, G>T. VCF-style: chr21-45455993-G-T. GRCh37 (hg19) VCF-style: chr21-46875907-G-T.
Other names: c.463G>T, p.Ala155Ser (NM_030582.4, NM_130444.3); short protein forms A155S.
Identifiers: ClinVar variation 1944687 (VCV001944687.3), dbSNP rs773715846, ClinGen allele CA410506170.

ClinVar aggregate classification (germline): Uncertain significance (1 of 4 stars; one submission).

Allele frequency attached by ClinVar (database versions not stated): TOPMed 0.00001.
gnomAD v4.1: 3 of 1,612,886 alleles (0.00019%); highest among the groups gnomAD compares: Non-Finnish European, 0.00017%; no homozygotes.

Submission:

Labcorp Genetics (formerly Invitae), Labcorp
Classification: Uncertain significance. Last evaluated: 2022-11-22. Review status: criteria provided, single submitter. Criteria: Invitae Variant Classification Sherloc (09022015). Collection method: clinical testing. Allele origin: germline.
Comment: The COL18A1 gene has multiple clinically relevant transcripts. This variant occurs in alternate transcript NM_030582.3, and corresponds to NM_130445.3:c.107-12249G>T in the primary transcript. In summary, the available evidence is currently insufficient to determine the role of this variant in disease. Therefore, it has been classified as a Variant of Uncertain Significance. Algorithms developed to predict the effect of sequence changes on RNA splicing suggest that this variant is not likely to affect RNA splicing. Experimental studies and prediction algorithms are not available or were not evaluated, and the functional significance of this variant is currently unknown. This variant has not been reported in the literature in individuals affected with COL18A1-related conditions. This variant is not present in population databases (gnomAD no frequency). This sequence change replaces alanine, which is neutral and non-polar, with serine, which is neutral and polar, at codon 155 of the COL18A1 protein (p.Ala155Ser).